The following is an entry in ClinVar:

NM_017617.5(NOTCH1):c.2692G>A (p.Gly898Ser)

Gene: NOTCH1 (notch receptor 1; minus strand). Cytogenetic location: 9q34.3.
Variant type: single nucleotide variant.
Coding change: c.2692G>A on transcript NM_017617.5 (MANE Select); coding-DNA position 2692, G replaced by A.
Protein change: p.Gly898Ser; replaces glycine 898 with serine.
Molecular consequence: missense variant.
Genome position (GRCh38, 1-based): chr9:136,510,701, C>T on the plus strand (G>A on the coding strand, the complement: NOTCH1 is on the minus strand). VCF-style: chr9-136510701-C-T. GRCh37 (hg19) VCF-style: chr9-139405153-C-T.
Other names: short protein forms G898S.
Identifiers: ClinVar variation 1305350 (VCV001305350.7), dbSNP rs748777783, ClinGen allele CA5341200.

ClinVar aggregate classification (germline): Conflicting classifications of pathogenicity. Review status: criteria provided, conflicting classifications (1 of 4 stars). 3 submissions from 3 submitters: Uncertain significance (2); Likely benign (1). Last evaluated 2025-12-08.

Conditions:
Adams-Oliver syndrome 5 (AOS5). Identifiers: Orphanet 974, MedGen C4014970, MONDO:0014459, OMIM 616028.
Familial thoracic aortic aneurysm and aortic dissection (TAAD). Also called: Thoracic aortic aneurysms and dissections. Identifiers: Orphanet 91387, MedGen C4707243, MONDO:0019625.

Allele frequency attached by ClinVar (database versions not stated): ExAC 0.00001; gnomAD 0.00001; gnomAD exomes 0.00001; TOPMed 0.00001.
gnomAD v4.1: 15 of 1,610,158 alleles (0.00093%); highest among the groups gnomAD compares: East Asian, 0.0022%; no homozygotes.

Submissions (3):

Ambry Genetics
Classification: Uncertain significance for Familial thoracic aortic aneurysm and aortic dissection. Last evaluated: 2025-12-08. Review status: criteria provided, single submitter. Criteria: Ambry Variant Classification Scheme 2023. Collection method: clinical testing. Allele origin: germline.

Labcorp Genetics (formerly Invitae), Labcorp
Classification: Likely benign for Adams-Oliver syndrome 5. Last evaluated: 2024-06-12. Review status: criteria provided, single submitter. Criteria: Invitae Variant Classification Sherloc (09022015). Collection method: clinical testing. Allele origin: germline.

GeneDx
Classification: Uncertain significance. Last evaluated: 2019-04-24. Review status: criteria provided, single submitter. Criteria: GeneDx Variant Classification Process June 2021. Collection method: clinical testing. Allele origin: germline. Affected: yes.
Comment: Has not been previously published as pathogenic or benign to our knowledge; In silico analysis, which includes protein predictors and evolutionary conservation, supports a deleterious effect; Not observed at a significant frequency in large population cohorts (Lek et al., 2016)